The following is an entry in ClinVar:

ClinVar aggregate classification (germline): Uncertain significance (1 of 4 stars; one submission).

Conditions:
Inborn genetic diseases. Identifiers: MedGen C0950123, MeSH D030342.

Allele frequency attached by ClinVar (database versions not stated): gnomAD exomes 0.00003; ESP Exome Variant Server 0.00008.
gnomAD v4.1: 46 of 1,613,892 alleles (0.0029%); highest among the groups gnomAD compares: Non-Finnish European, 0.0037%; no homozygotes.

Submission:

Ambry Genetics
Classification: Uncertain significance for Inborn genetic diseases. Last evaluated: 2021-09-18. Review status: criteria provided, single submitter. Criteria: Ambry Variant Classification Scheme 2023. Collection method: clinical testing. Allele origin: germline.
Comment: The p.G720A variant (also known as c.2159G>C), located in coding exon 10 of the ATR gene, results from a G to C substitution at nucleotide position 2159. The glycine at codon 720 is replaced by alanine, an amino acid with similar properties. This amino acid position is conserved. In addition, this alteration is predicted to be tolerated by in silico analysis. Since supporting evidence is limited at this time, the clinical significance of this alteration remains unclear.

NM_001184.4(ATR):c.2159G>C (p.Gly720Ala)

Gene: ATR (ATR checkpoint kinase; minus strand). Cytogenetic location: 3q23.
Variant type: single nucleotide variant.
Coding change: c.2159G>C on transcript NM_001184.4 (MANE Select); coding-DNA position 2159, G replaced by C.
Protein change: p.Gly720Ala; replaces glycine 720 with alanine.
Molecular consequence: missense variant.
Genome position (GRCh38, 1-based): chr3:142,556,059, C>G on the plus strand (G>C on the coding strand, the complement: ATR is on the minus strand). VCF-style: chr3-142556059-C-G. GRCh37 (hg19) VCF-style: chr3-142274901-C-G.
Other names: c.1967G>C, p.Gly656Ala (NM_001354579.2); short protein forms G720A, G656A.
Identifiers: ClinVar variation 1786852 (VCV001786852.2), dbSNP rs369939610, ClinGen allele CA84748382.